The following is an entry in ClinVar:

NM_004438.5(EPHA4):c.2486C>A (p.Ser829Tyr)

Gene: EPHA4 (EPH receptor A4; minus strand). Cytogenetic location: 2q36.1.
Variant type: single nucleotide variant.
Coding change: c.2486C>A on transcript NM_004438.5 (MANE Select); coding-DNA position 2486, C replaced by A.
Protein change: p.Ser829Tyr; replaces serine 829 with tyrosine.
Molecular consequence: missense variant.
Genome position (GRCh38, 1-based): chr2:221,434,152, G>T on the plus strand (C>A on the coding strand, the complement: EPHA4 is on the minus strand). VCF-style: chr2-221434152-G-T. GRCh37 (hg19) VCF-style: chr2-222298872-G-T.
Other names: c.2486C>A, p.Ser829Tyr (NM_001304536.2, NM_001363748.2); c.2333C>A, p.Ser778Tyr (NM_001304537.2); short protein forms S778Y, S829Y.
Identifiers: ClinVar variation 3688513 (VCV003688513.2).

ClinVar aggregate classification (germline): Uncertain significance (1 of 4 stars; one submission).

gnomAD v4.1: 1 of 1,612,816 alleles (0.000062%); highest among the groups gnomAD compares: Non-Finnish European, 0.000085%; no homozygotes.

Submission:

Labcorp Genetics (formerly Invitae), Labcorp
Classification: Uncertain significance. Last evaluated: 2025-02-17. Review status: criteria provided, single submitter. Criteria: Invitae Variant Classification Sherloc (09022015). Collection method: clinical testing. Allele origin: germline.
Comment: This sequence change replaces serine, which is neutral and polar, with tyrosine, which is neutral and polar, at codon 829 of the EPHA4 protein (p.Ser829Tyr). This variant is present in population databases (no rsID available, gnomAD 0.007%). This variant has not been reported in the literature in individuals affected with EPHA4-related conditions. Invitae Evidence Modeling of protein sequence and biophysical properties (such as structural, functional, and spatial information, amino acid conservation, physicochemical variation, residue mobility, and thermodynamic stability) indicates that this missense variant is expected to disrupt EPHA4 protein function with a positive predictive value of 80%. In summary, the available evidence is currently insufficient to determine the role of this variant in disease. Therefore, it has been classified as a Variant of Uncertain Significance.